The following is an entry in ClinVar:

NM_002645.4(PIK3C2A):c.527T>C (p.Met176Thr)

Gene: PIK3C2A (phosphatidylinositol-4-phosphate 3-kinase catalytic subunit type 2 alpha; minus strand). Cytogenetic location: 11p15.1.
Variant type: single nucleotide variant.
Coding change: c.527T>C on transcript NM_002645.4 (MANE Select); coding-DNA position 527, T replaced by C.
Protein change: p.Met176Thr; replaces methionine 176 with threonine.
Molecular consequence: missense variant. On other transcripts: intron variant (1).
Genome position (GRCh38, 1-based): chr11:17,169,215, A>G on the plus strand (T>C on the coding strand, the complement: PIK3C2A is on the minus strand). VCF-style: chr11-17169215-A-G. GRCh37 (hg19) VCF-style: chr11-17190762-A-G.
Other names: c.527T>C, p.Met176Thr (NM_001321378.2, NM_001386870.1); c.-75-13586T>C (NM_001321380.2); short protein forms M176T.
Identifiers: ClinVar variation 1720189 (VCV001720189.5), dbSNP rs1851076278, ClinGen allele CA379776126.
Genomic context (GRCh38, chr11:17,169,215, plus strand): 5'-AAATATGGAGATTGTCCCGGAAGACTTAAATATATAGGTTCTGTAGATGGAAAAGTGGGC[A>G]TTCTTGGATTGAAGCCATTTTGGAATGCAGCCTGTTTACTGTAAGTAGAAGGATAAATAG-3'
Protein context (NP_002636.2, residues 166-186): AAFQNGFNPR[Met176Thr]PTFPSTEPIY

ClinVar aggregate classification (germline): Uncertain significance (1 of 4 stars; one submission).

Submission:

Labcorp Genetics (formerly Invitae), Labcorp
Classification: Uncertain significance. Last evaluated: 2023-11-27. Review status: criteria provided, single submitter. Criteria: Invitae Variant Classification Sherloc (09022015). Collection method: clinical testing. Allele origin: germline.
Comment: This sequence change replaces methionine, which is neutral and non-polar, with threonine, which is neutral and polar, at codon 176 of the PIK3C2A protein (p.Met176Thr). This variant is not present in population databases (gnomAD no frequency). This variant has not been reported in the literature in individuals affected with PIK3C2A-related conditions. ClinVar contains an entry for this variant (Variation ID: 1720189). An algorithm developed to predict the effect of missense changes on protein structure and function (PolyPhen-2) suggests that this variant is likely to be tolerated. In summary, the available evidence is currently insufficient to determine the role of this variant in disease. Therefore, it has been classified as a Variant of Uncertain Significance.